The following is an entry in ClinVar:

NM_138927.4(SON):c.146C>G (p.Ala49Gly)

Gene: SON (SON DNA and RNA binding protein; plus strand). Cytogenetic location: 21q22.11.
Variant type: single nucleotide variant.
Coding change: c.146C>G on transcript NM_138927.4 (MANE Select); coding-DNA position 146, C replaced by G.
Protein change: p.Ala49Gly; replaces alanine 49 with glycine.
Molecular consequence: missense variant. On other transcripts: non-coding transcript variant (1).
Genome position (GRCh38, 1-based): chr21:33,546,281, C>G. VCF-style: chr21-33546281-C-G. GRCh37 (hg19) VCF-style: chr21-34918587-C-G.
Other names: c.146C>G, p.Ala49Gly (NM_001291411.2, NM_001291412.3, NM_001412132.1 and 4 more transcripts); short protein forms A49G.
Identifiers: ClinVar variation 1718181 (VCV001718181.5), dbSNP rs750309161, ClinGen allele CA10008606.

ClinVar aggregate classification (germline): Uncertain significance (1 of 4 stars; one submission).

Allele frequency attached by ClinVar (database versions not stated): ExAC 0.00001; gnomAD 0.00001.

Submission:

Labcorp Genetics (formerly Invitae), Labcorp
Classification: Uncertain significance. Last evaluated: 2022-11-09. Review status: criteria provided, single submitter. Criteria: Invitae Variant Classification Sherloc (09022015). Collection method: clinical testing. Allele origin: germline.
Comment: This variant is present in population databases (rs750309161, gnomAD 0.009%). This sequence change replaces alanine, which is neutral and non-polar, with glycine, which is neutral and non-polar, at codon 49 of the SON protein (p.Ala49Gly). In summary, the available evidence is currently insufficient to determine the role of this variant in disease. Therefore, it has been classified as a Variant of Uncertain Significance. This variant has not been reported in the literature in individuals affected with SON-related conditions. Algorithms developed to predict the effect of missense changes on protein structure and function are either unavailable or do not agree on the potential impact of this missense change (SIFT: "Tolerated"; PolyPhen-2: "Possibly Damaging"; Align-GVGD: "Class C0").